The following is an entry in ClinVar:

ClinVar aggregate classification (germline): Benign. Review status: criteria provided, multiple submitters, no conflicts (2 of 4 stars). 4 submissions from 4 submitters: Benign (3). 1 of the submissions does not count toward it. Last evaluated 2025-12-02.

Conditions:
VPS13D-related disorder. Also called: VPS13D-related condition.

Allele frequency attached by ClinVar (database versions not stated): gnomAD exomes 0.00037 and 0.00101; ExAC 0.00120; ESP Exome Variant Server 0.00292; gnomAD 0.00415 and 0.00432; TOPMed 0.00481; 1000 Genomes Project 0.00599; 1000 Genomes Project 30x 0.00625.
gnomAD v4.1: 1,205 of 1,613,944 alleles (0.075%); highest among the groups gnomAD compares: African/African-American, 1.4%; 13 homozygotes.

Submissions (4):

Labcorp Genetics (formerly Invitae), Labcorp
Classification: Benign. Last evaluated: 2025-12-02. Review status: criteria provided, single submitter. Criteria: Invitae Variant Classification Sherloc (09022015). Collection method: clinical testing. Allele origin: germline.

Mayo Clinic Laboratories, Mayo Clinic
Classification: Benign. Last evaluated: 2024-09-23. Review status: criteria provided, single submitter. Criteria: ACMG Guidelines, 2015. Collection method: clinical testing. Allele origin: germline. Observed: 3 variant alleles.
Comment: BA1, BP4

Breakthrough Genomics
Classification: Benign. Review status: criteria provided, single submitter. Criteria: ACMG Guidelines, 2015. Collection method: not provided. Allele origin: germline. Inheritance: Autosomal recessive inheritance. Affected: yes.

PreventionGenetics, part of Exact Sciences
Classification: Benign for VPS13D-related condition. Last evaluated: 2019-10-28. Review status: no assertion criteria provided. Collection method: clinical testing. Allele origin: germline. Not counted in ClinVar's aggregate classification.
Comment: This variant is classified as benign based on ACMG/AMP sequence variant interpretation guidelines (Richards et al. 2015 PMID: 25741868, with internal and published modifications).

NM_015378.4(VPS13D):c.531G>C (p.Lys177Asn)

Gene: VPS13D (vacuolar protein sorting 13 homolog D; plus strand). Cytogenetic location: 1p36.22.
Variant type: single nucleotide variant.
Coding change: c.531G>C on transcript NM_015378.4 (MANE Select); coding-DNA position 531, G replaced by C.
Protein change: p.Lys177Asn; replaces lysine 177 with asparagine.
Molecular consequence: missense variant.
Genome position (GRCh38, 1-based): chr1:12,249,306, G>C. VCF-style: chr1-12249306-G-C. GRCh37 (hg19) VCF-style: chr1-12309363-G-C.
Other names: p.Lys177Asn; c.531G>C, p.Lys177Asn (NM_018156.4); short protein forms K177N.
Identifiers: ClinVar variation 789690 (VCV000789690.14), dbSNP rs72864967, ClinGen allele CA601241.